The following is an entry in ClinVar:

ClinVar aggregate classification (germline): Uncertain significance (1 of 4 stars; one submission).

gnomAD v4.1: 1 of 1,612,820 alleles (0.000062%); highest among the groups gnomAD compares: Non-Finnish European, 0.000085%; no homozygotes.

Submission:

GeneDx
Classification: Uncertain significance. Last evaluated: 2024-11-17. Review status: criteria provided, single submitter. Criteria: GeneDx Variant Classification Process June 2021. Collection method: clinical testing. Allele origin: germline. Affected: yes.
Comment: Not observed at significant frequency in large population cohorts (gnomAD); In silico analysis indicates that this missense variant does not alter protein structure/function; In silico analysis suggests this variant may impact gene splicing. In the absence of RNA/functional studies, the actual effect of this sequence change is unknown.; Has not been previously published as pathogenic or benign to our knowledge

NM_001194.4(HCN2):c.808G>C (p.Glu270Gln)

Gene: HCN2 (hyperpolarization activated cyclic nucleotide gated potassium and sodium channel 2; plus strand). Cytogenetic location: 19p13.3.
Variant type: single nucleotide variant.
Coding change: c.808G>C on transcript NM_001194.4 (MANE Select); coding-DNA position 808, G replaced by C.
Protein change: p.Glu270Gln; replaces glutamic acid 270 with glutamine.
Molecular consequence: missense variant.
Genome position (GRCh38, 1-based): chr19:603,719, G>C. VCF-style: chr19-603719-G-C. GRCh37 (hg19) VCF-style: chr19-603719-G-C.
Other names: short protein forms E270Q.
Identifiers: ClinVar variation 3899679 (VCV003899679.1).